The following is an entry in ClinVar:

ClinVar aggregate classification (germline): Uncertain significance (1 of 4 stars; one submission).

Conditions:
Primary pulmonary hypertension. Also called: Idiopathic pulmonary hypertension. Identifiers: MedGen C0152171.

Submission:

Labcorp Genetics (formerly Invitae), Labcorp
Classification: Uncertain significance for Primary pulmonary hypertension. Last evaluated: 2022-10-13. Review status: criteria provided, single submitter. Criteria: Invitae Variant Classification Sherloc (09022015). Collection method: clinical testing. Allele origin: germline.
Comment: Experimental studies and prediction algorithms are not available or were not evaluated, and the functional significance of this variant is currently unknown. A copy number gain of the genomic region encompassing the full coding sequence of the BMPR2 gene has been identified. The boundaries of this event are unknown as they extend beyond the assayed region for this gene and therefore may encompass additional genes. As the precise location of this event is unknown, it may be in tandem or it may be located elsewhere in the genome. A similar copy number variant has been observed in individual(s) with pulmonary hypertension (Invitae). In summary, the available evidence is currently insufficient to determine the role of this variant in disease. Therefore, it has been classified as a Variant of Uncertain Significance.

NC_000002.11:g.(?_203242198)_(203424669_?)dup

Gene: BMPR2 (bone morphogenetic protein receptor type 2; plus strand). Cytogenetic location: 2q33.1-33.2.
Variant type: Duplication.
Identifiers: ClinVar variation 2423971 (VCV002423971.4).